The following is an entry in ClinVar:

ClinVar aggregate classification (germline): Uncertain significance (1 of 4 stars; one submission).

Conditions:
Hereditary diffuse gastric adenocarcinoma (HDGC). Also called: DIFFUSE GASTRIC AND LOBULAR BREAST CANCER SYNDROME. Identifiers: Orphanet 26106, MedGen C1708349, MONDO:0007648, OMIM 137215.

Submission:

Labcorp Genetics (formerly Invitae), Labcorp
Classification: Uncertain significance for Hereditary diffuse gastric adenocarcinoma. Last evaluated: 2024-01-30. Review status: criteria provided, single submitter. Criteria: Invitae Variant Classification Sherloc (09022015). Collection method: clinical testing. Allele origin: germline.
Comment: A copy number gain of the genomic region encompassing the full coding sequence of the CDH1 gene has been identified. The boundaries of this event are unknown as they extend beyond the assayed region for this gene and therefore may encompass additional genes. As the precise location of this event is unknown, it may be in tandem or it may be located elsewhere in the genome. This variant has not been reported in the literature in individuals affected with CDH1-related conditions. Experimental studies and prediction algorithms are not available or were not evaluated, and the functional significance of this variant is currently unknown. In summary, the available evidence is currently insufficient to determine the role of this variant in disease. Therefore, it has been classified as a Variant of Uncertain Significance.

NC_000016.9:g.(?_68771319)_(68867402_?)dup

Gene: CDH1 (cadherin 1; plus strand). Cytogenetic location: 16q22.1.
Variant type: Duplication.
Identifiers: ClinVar variation 1011072 (VCV001011072.7).